The following is an entry in ClinVar:

NM_004168.4(SDHA):c.638C>A (p.Thr213Asn)

Gene: SDHA (succinate dehydrogenase complex flavoprotein subunit A; plus strand). Cytogenetic location: 5p15.33.
Variant type: single nucleotide variant.
Coding change: c.638C>A on transcript NM_004168.4 (MANE Select); coding-DNA position 638, C replaced by A.
Protein change: p.Thr213Asn; replaces threonine 213 with asparagine.
Molecular consequence: missense variant.
Genome position (GRCh38, 1-based): chr5:228,201, C>A. VCF-style: chr5-228201-C-A. GRCh37 (hg19) VCF-style: chr5-228316-C-A.
Other names: c.494C>A, p.Thr165Asn (NM_001294332.2); c.638C>A, p.Thr213Asn (NM_001330758.2); short protein forms T213N, T165N.
Identifiers: ClinVar variation 412338 (VCV000412338.15), dbSNP rs766421069, ClinGen allele CA16611866.
Genomic context (GRCh38, chr5:228,201, plus strand): 5'-GTTTGGCTTAACACTTCTTGCCCTTTTTTTTTCCTTTCTTTTAGTCTCTGCGATATGATA[C>A]CAGCTATTTTGTGGAGTATTTTGCCTTGGATCTCCTGATGGAGAATGGGGAGTGCCGTGG-3'
Protein context (NP_004159.2, residues 203-223): TLYGRSLRYD[Thr213Asn]SYFVEYFALD

ClinVar aggregate classification (germline): Uncertain significance (1 of 4 stars; one submission).

Conditions:
Mitochondrial complex II deficiency, nuclear type 1. Also called: SUCCINATE CoQ REDUCTASE DEFICIENCY. Identifiers: Orphanet 3208, MedGen C5700310, MONDO:0100294, OMIM 252011.
Pheochromocytoma/paraganglioma syndrome 5. Also called: SDHA-Related Hereditary Paraganglioma-Pheochromocytoma Syndrome; Paragangliomas 5. Identifiers: Orphanet 29072, MedGen C3279992, MONDO:0013602, OMIM 614165.

Submission:

Labcorp Genetics (formerly Invitae), Labcorp
Classification: Uncertain significance for Pheochromocytoma/paraganglioma syndrome 5; Mitochondrial complex II deficiency, nuclear type 1. Last evaluated: 2019-03-06. Review status: criteria provided, single submitter. Criteria: Invitae Variant Classification Sherloc (09022015). Collection method: clinical testing. Allele origin: germline.
Comment: In summary, the available evidence is currently insufficient to determine the role of this variant in disease. Therefore, it has been classified as a Variant of Uncertain Significance. Algorithms developed to predict the effect of missense changes on protein structure and function are either unavailable or do not agree on the potential impact of this missense change (SIFT: "Tolerated"; PolyPhen-2: "Probably Damaging"; Align-GVGD: "Class C0"). This variant has not been reported in the literature in individuals with SDHA-related conditions. ClinVar contains an entry for this variant (Variation ID: 412338). This variant is not present in population databases (ExAC no frequency). This sequence change replaces threonine with asparagine at codon 213 of the SDHA protein (p.Thr213Asn). The threonine residue is highly conserved and there is a small physicochemical difference between threonine and asparagine.